The following is an entry in ClinVar:

ClinVar aggregate classification (germline): Likely benign. Review status: criteria provided, multiple submitters, no conflicts (2 of 4 stars). 2 submissions from 2 submitters: Likely benign (2). Last evaluated 2023-10-01.

Allele frequency attached by ClinVar (database versions not stated): TOPMed 0.00003; gnomAD 0.00004 and 0.00006; gnomAD exomes 0.00006; ESP Exome Variant Server 0.00008; ExAC 0.00015.
gnomAD v4.1: 71 of 1,606,006 alleles (0.0044%); highest among the groups gnomAD compares: South Asian, 0.038%; no homozygotes.

Submissions (2):

CeGaT Center for Human Genetics Tuebingen
Classification: Likely benign. Last evaluated: 2023-10-01. Review status: criteria provided, single submitter. Criteria: CeGaT Center For Human Genetics Tuebingen Variant Classification Criteria Version 2. Collection method: clinical testing. Allele origin: germline. Affected: yes. Observed: 1 variant allele.
Comment: TNIK: BP4, BP7

Labcorp Genetics (formerly Invitae), Labcorp
Classification: Likely benign. Last evaluated: 2018-03-30. Review status: criteria provided, single submitter. Criteria: Invitae Variant Classification Sherloc (09022015). Collection method: clinical testing. Allele origin: germline.

NM_015028.4(TNIK):c.2994C>T (p.Ala998=)

Gene: TNIK (TRAF2 and NCK interacting kinase; minus strand). Cytogenetic location: 3q26.2.
Variant type: single nucleotide variant.
Coding change: c.2994C>T on transcript NM_015028.4 (MANE Select); coding-DNA position 2994, C replaced by T.
Protein change: p.Ala998=; no amino-acid change (alanine 998 retained).
Molecular consequence: synonymous variant.
Genome position (GRCh38, 1-based): chr3:171,085,122, G>A on the plus strand (C>T on the coding strand, the complement: TNIK is on the minus strand). VCF-style: chr3-171085122-G-A. GRCh37 (hg19) VCF-style: chr3-170802911-G-A.
Other names: c.2970C>T, p.Ala990= (NM_001161560.3); c.2907C>T, p.Ala969= (NM_001161561.3); c.2883C>T, p.Ala961= (NM_001161562.3); c.2829C>T, p.Ala943= (NM_001161563.3); c.2805C>T, p.Ala935= (NM_001161564.3); c.2742C>T, p.Ala914= (NM_001161565.3); c.2718C>T, p.Ala906= (NM_001161566.3).
Identifiers: ClinVar variation 737099 (VCV000737099.26), dbSNP rs368574578, ClinGen allele CA2703049.